The following is an entry in ClinVar:

ClinVar aggregate classification (germline): Uncertain significance. Review status: criteria provided, multiple submitters, no conflicts (2 of 4 stars). 4 submissions from 4 submitters: Uncertain significance (4). Last evaluated 2026-03-30.

Conditions:
SLC17A8-related disorder. Also called: SLC17A8-related condition.

Submissions (4):

PreventionGenetics, part of Exact Sciences
Classification: Uncertain significance for SLC17A8-related condition. Last evaluated: 2026-03-30. Review status: criteria provided, single submitter. Criteria: ACMG Guidelines, 2015. Collection method: clinical testing. Allele origin: germline.
Comment: The SLC17A8 c.1015_1016delinsAA variant is predicted to result in an in-frame deletion and insertion. To our knowledge, this variant has not been reported in the literature or in a large population database (gnomAD), indicating this variant is rare. At this time, the clinical significance of this variant is uncertain due to the absence of conclusive functional and genetic evidence.

GeneDx
Classification: Uncertain significance. Last evaluated: 2025-08-26. Review status: criteria provided, single submitter. Criteria: GeneDx Variant Classification Process June 2021. Collection method: clinical testing. Allele origin: germline. Affected: yes.
Comment: In silico analysis supports a deleterious effect on protein structure/function; Has not been previously published as pathogenic or benign to our knowledge

Labcorp Genetics (formerly Invitae), Labcorp
Classification: Uncertain significance. Last evaluated: 2025-06-27. Review status: criteria provided, single submitter. Criteria: Invitae Variant Classification Sherloc (09022015). Collection method: clinical testing. Allele origin: germline.
Comment: This sequence change replaces alanine, which is neutral and non-polar, with asparagine, which is neutral and polar, at codon 339 of the SLC17A8 protein (p.Ala339Asn). This variant is present in population databases (no rsID available, gnomAD 0.01%). This variant has not been reported in the literature in individuals affected with SLC17A8-related conditions. ClinVar contains an entry for this variant (Variation ID: 499782). An algorithm developed to predict the effect of missense changes on protein structure and function (PolyPhen-2) suggests that this variant is likely to be disruptive. In summary, the available evidence is currently insufficient to determine the role of this variant in disease. Therefore, it has been classified as a Variant of Uncertain Significance.

Eurofins Ntd Llc (ga)
Classification: Uncertain significance. Last evaluated: 2017-09-08. Review status: criteria provided, single submitter. Criteria: EGL Classification Definitions 2015. Collection method: clinical testing. Allele origin: germline. Observed: 3 variant alleles, 3 heterozygotes.

NM_139319.3(SLC17A8):c.1015_1016delinsAA (p.Ala339Asn)

Gene: SLC17A8 (solute carrier family 17 member 8; plus strand). Cytogenetic location: 12q23.1.
Variant type: Indel.
Coding change: c.1015_1016delinsAA on transcript NM_139319.3 (MANE Select); coding-DNA positions 1015 to 1016, GC replaced by AA.
Protein change: p.Ala339Asn; replaces alanine 339 with asparagine.
Molecular consequence: missense variant. On other transcripts: intron variant (1).
Genome position (GRCh38, 1-based): chr12:100,402,707-100,402,708, GC replaced by AA. VCF-style: chr12-100402707-GC-AA. GRCh37 (hg19) VCF-style: chr12-100796485-GC-AA.
Other names: c.903+228_903+229delinsAA (NM_001145288.2); c.1015_1016delGCinsAA (NM_139319.2); short protein forms A339N.
Identifiers: ClinVar variation 499782 (VCV000499782.16), dbSNP rs1555327066, ClinGen allele CA658797947.
Genomic context (GRCh38, chr12:100,402,707, plus strand): 5'-ATCATTGTGGCAAATTTTTGCAGAAGCTGGACCTTTTATTTGCTCCTCATAAGTCAGCCT[GC>AA]TTATTTTGAAGAGGTCTTTGGATTTGCAATAAGTAAGGTAAACACACAGATGCTCCAAAT-3'
Protein context (NP_647480.1, residues 329-349): TFYLLLISQP[Ala339Asn]YFEEVFGFAI